The following is an entry in ClinVar:

NM_015139.3(SLC35D1):c.464+1G>C

Gene: SLC35D1 (solute carrier family 35 member D1; minus strand). Cytogenetic location: 1p31.3.
Variant type: single nucleotide variant.
Coding change: c.464+1G>C on transcript NM_015139.3 (MANE Select); the canonical splice donor site of the intron after coding-DNA position 464, G replaced by C.
Molecular consequence: splice donor variant.
Genome position (GRCh38, 1-based): chr1:67,050,432, C>G on the plus strand (G>C on the coding strand, the complement: SLC35D1 is on the minus strand). VCF-style: chr1-67050432-C-G. GRCh37 (hg19) VCF-style: chr1-67516115-C-G.
Identifiers: ClinVar variation 1499652 (VCV001499652.8), dbSNP rs747883333, ClinGen allele CA340706547.

ClinVar aggregate classification (germline): Likely pathogenic (1 of 4 stars; one submission).

Conditions:
Schneckenbecken dysplasia. Identifiers: Orphanet 3144, MedGen C0432194, MONDO:0010013, OMIM 269250.

Submission:

Labcorp Genetics (formerly Invitae), Labcorp
Classification: Likely pathogenic for Schneckenbecken dysplasia. Last evaluated: 2021-06-19. Review status: criteria provided, single submitter. Criteria: Invitae Variant Classification Sherloc (09022015). Collection method: clinical testing. Allele origin: germline.
Comment: This sequence change affects a donor splice site in intron 5 of the SLC35D1 gene. It is expected to disrupt RNA splicing. Variants that disrupt the donor or acceptor splice site typically lead to a loss of protein function (PMID: 16199547), and loss-of-function variants in SLC35D1 are known to be pathogenic (PMID: 17952091, 19508970). In summary, the currently available evidence indicates that the variant is pathogenic, but additional data are needed to prove that conclusively. Therefore, this variant has been classified as Likely Pathogenic. Algorithms developed to predict the effect of sequence changes on RNA splicing suggest that this variant may disrupt the consensus splice site, but this prediction has not been confirmed by published transcriptional studies. This variant has not been reported in the literature in individuals with SLC35D1-related conditions. This variant is not present in population databases (ExAC no frequency).

Literature cited by the submitters: PubMed 16199547; PubMed 17952091; PubMed 19508970.